The following is an entry in ClinVar:

ClinVar aggregate classification (germline): Likely pathogenic (1 of 4 stars; one submission).

Submission:

GeneDx
Classification: Likely pathogenic. Last evaluated: 2016-10-06. Review status: criteria provided, single submitter. Criteria: GeneDx Variant Classification (06012015). Collection method: clinical testing. Allele origin: germline. Affected: yes.
Comment: The I693M variant in the KCNC3 gene has not been reported previously as a pathogenic variant, nor as a benign variant, to our knowledge. The I693M variant was not observed in approximately 6,500 individuals of European and African American ancestry in the NHLBI Exome Sequencing Project, indicating it is not a common benign variant in these populations. The I693M variant is a conservative amino acid substitution, which is not likely to impact secondary protein structure as these residues share similar properties. However, this substitution occurs at a position that is conserved in mammals, and in silico analysis predicts this variant is probably damaging to the protein structure/function. Therefore, we interpret I693M as a likely pathogenic variant.

NM_004977.3(KCNC3):c.2079C>G (p.Ile693Met)

Gene: KCNC3 (potassium voltage-gated channel subfamily C member 3; minus strand). Cytogenetic location: 19q13.33.
Variant type: single nucleotide variant.
Coding change: c.2079C>G on transcript NM_004977.3 (MANE Select); coding-DNA position 2079, C replaced by G.
Protein change: p.Ile693Met; replaces isoleucine 693 with methionine.
Molecular consequence: missense variant. On other transcripts: non-coding transcript variant (1).
Genome position (GRCh38, 1-based): chr19:50,320,684, G>C on the plus strand (C>G on the coding strand, the complement: KCNC3 is on the minus strand). VCF-style: chr19-50320684-G-C. GRCh37 (hg19) VCF-style: chr19-50823941-G-C.
Other names: c.1851C>G, p.Ile617Met (NM_001372305.1); short protein forms I693M, I617M.
Identifiers: ClinVar variation 422460 (VCV000422460.2), dbSNP rs1064795793, ClinGen allele CA16620878.